The following is an entry in ClinVar:

ClinVar aggregate classification (germline): Uncertain significance (1 of 4 stars; one submission).

Allele frequency attached by ClinVar (database versions not stated): gnomAD exomes 0.00003; gnomAD 0.00006; ExAC 0.00010; TOPMed 0.00010.
gnomAD v4.1: 50 of 1,610,226 alleles (0.0031%); highest among the groups gnomAD compares: East Asian, 0.1%; no homozygotes.

Submission:

Labcorp Genetics (formerly Invitae), Labcorp
Classification: Uncertain significance. Last evaluated: 2025-12-06. Review status: criteria provided, single submitter. Criteria: Invitae Variant Classification Sherloc (09022015). Collection method: clinical testing. Allele origin: germline.
Comment: This sequence change replaces proline, which is neutral and non-polar, with serine, which is neutral and polar, at codon 468 of the TNFRSF11A protein (p.Pro468Ser). This variant is present in population databases (rs748211484, gnomAD 0.1%). This variant has not been reported in the literature in individuals affected with TNFRSF11A-related conditions. ClinVar contains an entry for this variant (Variation ID: 1925496). An algorithm developed to predict the effect of missense changes on protein structure and function (PolyPhen-2) suggests that this variant is likely to be disruptive. In summary, the available evidence is currently insufficient to determine the role of this variant in disease. Therefore, it has been classified as a Variant of Uncertain Significance.

NM_003839.4(TNFRSF11A):c.1402C>T (p.Pro468Ser)

Gene: TNFRSF11A (TNF receptor superfamily member 11a; plus strand). Cytogenetic location: 18q21.33.
Variant type: single nucleotide variant.
Coding change: c.1402C>T on transcript NM_003839.4 (MANE Select); coding-DNA position 1402, C replaced by T.
Protein change: p.Pro468Ser; replaces proline 468 with serine.
Molecular consequence: missense variant. On other transcripts: intron variant (3).
Genome position (GRCh38, 1-based): chr18:62,369,319, C>T. VCF-style: chr18-62369319-C-T. GRCh37 (hg19) VCF-style: chr18-60036552-C-T.
Other names: c.1360C>T, p.Pro454Ser (NM_001278268.2); c.783+2559C>T (NM_001270949.2); c.730+7526C>T (NM_001270950.2); c.616+9270C>T (NM_001270951.2); short protein forms P454S, P468S.
Identifiers: ClinVar variation 1925496 (VCV001925496.5), dbSNP rs748211484, ClinGen allele CA8983961.